The following is an entry in ClinVar:

ClinVar aggregate classification (germline): Benign. Review status: criteria provided, single submitter (1 of 4 stars). 2 submissions from 1 submitter: Benign (2). Last evaluated 2018-01-13.

Conditions:
Charcot-Marie-Tooth disease type 4C (CMT4C). Also called: CMT 4C; Charcot-Marie-Tooth Neuropathy Type 4C (CMT4C); CHARCOT-MARIE-TOOTH DISEASE, DEMYELINATING, TYPE 4C; CHARCOT-MARIE-TOOTH DISEASE, DEMYELINATING, AUTOSOMAL RECESSIVE, TYPE 4C; SH3TC2-Related Hereditary Motor and Sensory Neuropathy. Identifiers: Orphanet 99949, MedGen C1866636, MONDO:0011113, OMIM 601596.
Susceptibility to mononeuropathy of the median nerve, mild. Also called: CARPAL TUNNEL SYNDROME, SUSCEPTIBILITY TO. Identifiers: MedGen C3150596, MONDO:0013237, OMIM 613353.

Allele frequency attached by ClinVar (database versions not stated): 1000 Genomes Project 0.00419; gnomAD 0.00441 and 0.00469; TOPMed 0.00451; 1000 Genomes Project 30x 0.00500.

Submissions (2):

Illumina Laboratory Services, Illumina
Classification: Benign for Susceptibility to mononeuropathy of the median nerve, mild. Last evaluated: 2018-01-13. Review status: criteria provided, single submitter. Criteria: ICSL Variant Classification Criteria 13 December 2019. Collection method: clinical testing. Allele origin: germline.
Comment: This variant was observed in the ICSL laboratory as part of a predisposition screen in an ostensibly healthy population. It had not been previously curated by ICSL or reported in the Human Gene Mutation Database (HGMD: prior to June 1st, 2018), and was therefore a candidate for classification through an automated scoring system. Utilizing variant allele frequency, disease prevalence and penetrance estimates, and inheritance mode, an automated score was calculated to assess if this variant is too frequent to cause the disease. Based on the score and internal cut-off values, a variant classified as benign is not then subjected to further curation. The score for this variant resulted in a classification of benign for this disease.

Illumina Laboratory Services, Illumina
Classification: Benign for Charcot-Marie-Tooth disease type 4C. Last evaluated: 2018-01-13. Review status: criteria provided, single submitter. Criteria: ICSL Variant Classification Criteria 13 December 2019. Collection method: clinical testing. Allele origin: germline.
Comment: the same text as in the submission from Illumina Laboratory Services, Illumina above.

NM_024577.4(SH3TC2):c.*1246G>A

Gene: SH3TC2 (SH3 domain and tetratricopeptide repeats 2; minus strand). Cytogenetic location: 5q32.
Variant type: single nucleotide variant.
Coding change: c.*1246G>A on transcript NM_024577.4 (MANE Select); 1246 bases downstream of the stop codon, G replaced by A.
Molecular consequence: 3 prime UTR variant.
Genome position (GRCh38, 1-based): chr5:149,003,465, C>T on the plus strand (G>A on the coding strand, the complement: SH3TC2 is on the minus strand). VCF-style: chr5-149003465-C-T. GRCh37 (hg19) VCF-style: chr5-148383028-C-T.
Identifiers: ClinVar variation 903906 (VCV000903906.4), dbSNP rs142628780, ClinGen allele CA128993856.